The following is an entry in ClinVar:

NM_012478.4(WBP2):c.656-9C>T

Gene: WBP2 (WW domain binding protein 2; minus strand). Cytogenetic location: 17q25.1.
Variant type: single nucleotide variant.
Coding change: c.656-9C>T on transcript NM_012478.4 (MANE Select); 9 bases into the intron before coding-DNA position 656, C replaced by T.
Molecular consequence: intron variant.
Genome position (GRCh38, 1-based): chr17:75,846,993, G>A on the plus strand (C>T on the coding strand, the complement: WBP2 is on the minus strand). VCF-style: chr17-75846993-G-A. GRCh37 (hg19) VCF-style: chr17-73843074-G-A.
Other names: c.656-9C>T (NM_001348170.1); c.521-9C>T (NM_001330499.2).
Identifiers: ClinVar variation 3046741 (VCV003046741.2), dbSNP rs531836934, ClinGen allele CA8773791.

ClinVar aggregate classification (germline): Likely benign (0 of 4 stars; one submission).

Conditions:
WBP2-related disorder. Also called: WBP2-related condition.

Allele frequency attached by ClinVar (database versions not stated): TOPMed below 0.00001; gnomAD 0.00001; gnomAD exomes 0.00001; ExAC 0.00002; 1000 Genomes Project 30x 0.00031; 1000 Genomes Project 0.00040.
gnomAD v4.1: 12 of 1,614,002 alleles (0.00074%); highest among the groups gnomAD compares: South Asian, 0.0033%; 1 homozygote.

Submission:

PreventionGenetics, part of Exact Sciences
Classification: Likely benign for WBP2-related condition. Last evaluated: 2019-02-26. Review status: no assertion criteria provided. Collection method: clinical testing. Allele origin: germline.
Comment: This variant is classified as likely benign based on ACMG/AMP sequence variant interpretation guidelines (Richards et al. 2015 PMID: 25741868, with internal and published modifications).